The following is an entry in ClinVar:

NC_000023.10:g.(?_18662530)_(18665472_?)del

Genes: CDKL5 (cyclin dependent kinase like 5; plus strand), RS1 (retinoschisin 1; minus strand). Cytogenetic location: Xp22.13.
Variant type: Deletion.
Identifiers: ClinVar variation 3245777 (VCV003245777.1).

ClinVar aggregate classification (germline): Pathogenic (1 of 4 stars; one submission).

Submission:

Labcorp Genetics (formerly Invitae), Labcorp
Classification: Pathogenic. Last evaluated: 2023-08-08. Review status: criteria provided, single submitter. Criteria: Invitae Variant Classification Sherloc (09022015). Collection method: clinical testing. Allele origin: unknown.
Comment: This variant is a gross deletion of the genomic region encompassing exon(s) 4-5 of the RS1 gene. While this deletion is not anticipated to lead to nonsense mediated decay, it is expected to disrupt the C-terminus of the protein. A similar copy number variant has been observed in individual(s) with retinoschisis (PMID: 24227916). This variant disrupts a region of the RS1 protein in which other variant(s) (p.Gly171Arg) have been determined to be pathogenic (PMID: 32300273, 35456481; Invitae). This suggests that this is a clinically significant region of the protein, and that variants that disrupt it are likely to be disease-causing. For these reasons, this variant has been classified as Pathogenic.

Literature cited by the submitters: PubMed 24227916; PubMed 32300273; PubMed 35456481.